The following is an entry in ClinVar:

NM_020964.3(EPG5):c.2147_2150del (p.Ser716fs)

Gene: EPG5 (ectopic P-granules 5 autophagy tethering factor; minus strand). Cytogenetic location: 18q21.1.
Variant type: Microsatellite.
Coding change: c.2147_2150del on transcript NM_020964.3 (MANE Select); coding-DNA positions 2147 to 2150, 4 bases deleted (CTGT; older notation c.2147_2150delCTGT).
Protein change: p.Ser716fs; shifts the reading frame from serine 716.
Molecular consequence: frameshift variant.
Genome position (GRCh38, 1-based): chr18:45,934,916-45,934,919, ACAG deleted on the plus strand (CTGT on the coding strand, the reverse complement: EPG5 is on the minus strand); deleting any 4 consecutive bases within chr18:45,934,916-45,934,924 gives the same sequence; the c. name uses the placement nearest the transcript's 3' end. VCF-style (leftmost placement, unchanged base first): chr18-45934915-CACAG-C. GRCh37 (hg19) VCF-style: chr18-43514881-CACAG-C.
Other names: c.2147_2150del, p.Ser716fs (NM_001410858.1, NM_001410859.1); short protein forms S716fs.
Identifiers: ClinVar variation 2997182 (VCV002997182.3), dbSNP rs2511954380, ClinGen allele CA2641631339.

ClinVar aggregate classification (germline): Pathogenic (1 of 4 stars; one submission).

Conditions:
Vici syndrome (VICIS). Identifiers: Orphanet 1493, MedGen C1855772, MONDO:0009452, OMIM 242840.

Submission:

Labcorp Genetics (formerly Invitae), Labcorp
Classification: Pathogenic for Vici syndrome. Last evaluated: 2023-06-23. Review status: criteria provided, single submitter. Criteria: Invitae Variant Classification Sherloc (09022015). Collection method: clinical testing. Allele origin: germline.
Comment: This sequence change creates a premature translational stop signal (p.Ser716Cysfs*51) in the EPG5 gene. It is expected to result in an absent or disrupted protein product. Loss-of-function variants in EPG5 are known to be pathogenic (PMID: 23222957, 23674064). This variant is not present in population databases (gnomAD no frequency). This variant has not been reported in the literature in individuals affected with EPG5-related conditions. For these reasons, this variant has been classified as Pathogenic.

Literature cited by the submitters: PubMed 23222957; PubMed 23674064.